The following is an entry in ClinVar:

ClinVar aggregate classification (germline): Conflicting classifications of pathogenicity. Review status: criteria provided, conflicting classifications (1 of 4 stars). 2 submissions from 2 submitters: Likely pathogenic (1); Uncertain significance (1). Last evaluated 2022-01-19.

Allele frequency attached by ClinVar (database versions not stated): gnomAD exomes below 0.00001 and 0.00001.
gnomAD v4.1: 5 of 1,613,700 alleles (0.00031%); highest among the groups gnomAD compares: South Asian, 0.0011%; no homozygotes.

Submissions (2):

AiLife Diagnostics
Classification: Likely pathogenic. Last evaluated: 2022-01-19. Review status: criteria provided, single submitter. Criteria: ACMG Guidelines, 2015. Collection method: clinical testing. Allele origin: germline. Affected: yes. Observed: 2 variant alleles.

GeneDx
Classification: Uncertain significance. Last evaluated: 2020-01-17. Review status: criteria provided, single submitter. Criteria: GeneDx Variant Classification Process June 2021. Collection method: clinical testing. Allele origin: germline. Affected: yes.
Comment: Has not been previously published as pathogenic or benign to our knowledge; Not observed at a significant frequency in large population cohorts (Lek et al., 2016); Nonsense variant predicted to result in protein truncation or nonsense mediated decay in a gene for which loss-of-function is not a known mechanism of disease

NM_020774.4(MIB1):c.1417C>T (p.Gln473Ter)

Gene: MIB1 (MIB E3 ubiquitin protein ligase 1; plus strand). Cytogenetic location: 18q11.2.
Variant type: single nucleotide variant.
Coding change: c.1417C>T on transcript NM_020774.4 (MANE Select); coding-DNA position 1417, C replaced by T.
Protein change: p.Gln473Ter; replaces glutamine 473 with a stop codon.
Molecular consequence: nonsense.
Genome position (GRCh38, 1-based): chr18:21,803,952, C>T. VCF-style: chr18-21803952-C-T. GRCh37 (hg19) VCF-style: chr18-19383913-C-T.
Other names: short protein forms Q473*.
Identifiers: ClinVar variation 1311874 (VCV001311874.3), dbSNP rs1386314249, ClinGen allele CA401754926.